The following is an entry in ClinVar:

NM_032119.4(ADGRV1):c.10796G>C (p.Gly3599Ala)

Gene: ADGRV1 (adhesion G protein-coupled receptor V1; plus strand). Cytogenetic location: 5q14.3.
Variant type: single nucleotide variant.
Coding change: c.10796G>C on transcript NM_032119.4 (MANE Select); coding-DNA position 10796, G replaced by C.
Protein change: p.Gly3599Ala; replaces glycine 3599 with alanine.
Molecular consequence: missense variant. On other transcripts: non-coding transcript variant (1).
Genome position (GRCh38, 1-based): chr5:90,745,617, G>C. VCF-style: chr5-90745617-G-C. GRCh37 (hg19) VCF-style: chr5-90041434-G-C.
Other names: short protein forms G3599A.
Identifiers: ClinVar variation 163596 (VCV000163596.21), dbSNP rs145294917, ClinGen allele CA176214.
Genomic context (GRCh38, chr5:90,745,617, plus strand): 5'-AGTTGACTTATTTTGTATATGCTTCTTATGGTAGTTCAGGTGAACTGATATTTGAACCTG[G>C]TGAGAGAGAAGCTACAATAGCAGTAAATATCCTTGATGATACAGTTCCAGAAAAAGAAGA-3'
Protein context (NP_115495.3, residues 3589-3609): PSSGELIFEP[Gly3599Ala]EREATIAVNI

ClinVar aggregate classification (germline): Benign/Likely benign. Review status: criteria provided, multiple submitters, no conflicts (2 of 4 stars). 7 submissions from 7 submitters: Benign (3); Likely benign (1). 3 of the submissions do not count toward it. Last evaluated 2026-01-26.

Conditions:
ADGRV1-related disorder. Also called: ADGRV1-related condition; ADGRV1-related disorders.

Allele frequency attached by ClinVar (database versions not stated): gnomAD exomes 0.00031 and 0.00090; ExAC 0.00111; 1000 Genomes Project 30x 0.00187; ESP Exome Variant Server 0.00406; TOPMed 0.00407; 1000 Genomes Project 0.00220; gnomAD 0.00368 and 0.00394.
gnomAD v4.1: 1,037 of 1,611,954 alleles (0.064%); highest among the groups gnomAD compares: African/African-American, 1.2%; 8 homozygotes.

Submissions (7):

Labcorp Genetics (formerly Invitae), Labcorp
Classification: Benign. Last evaluated: 2026-01-26. Review status: criteria provided, single submitter. Criteria: Invitae Variant Classification Sherloc (09022015). Collection method: clinical testing. Allele origin: germline.

Blueprint Genetics
Classification: Likely benign. Last evaluated: 2024-11-14. Review status: criteria provided, single submitter. Criteria: ACMG Guidelines, 2015. Collection method: clinical testing. Allele origin: germline.

GeneDx
Classification: Benign. Last evaluated: 2019-12-04. Review status: criteria provided, single submitter. Criteria: GeneDx Variant Classification Process June 2021. Collection method: clinical testing. Allele origin: germline. Affected: yes.

Laboratory for Molecular Medicine, Mass General Brigham Personalized Medicine
Classification: Benign. Last evaluated: 2012-04-30. Review status: criteria provided, single submitter. Criteria: LMM Criteria. Collection method: clinical testing. Allele origin: germline. Observed: 4 variant alleles.
Comment: Gly3599Ala in Exon 52 of GPR98: This variant is not expected to have clinical si gnificance because it has been identified in 1.4% (40/2958) of African American chromosomes from a broad population by the NHLBI Exome Sequencing Project (dbSNP rs145294917).

PreventionGenetics, part of Exact Sciences
Classification: Benign for ADGRV1-related condition. Last evaluated: 2019-07-24. Review status: no assertion criteria provided. Collection method: clinical testing. Allele origin: germline. Not counted in ClinVar's aggregate classification.
Comment: This variant is classified as benign based on ACMG/AMP sequence variant interpretation guidelines (Richards et al. 2015 PMID: 25741868, with internal and published modifications).

Clinical Genetics, Academic Medical Center
Classification: Benign. Review status: no assertion criteria provided. Collection method: clinical testing. Allele origin: germline. Affected: yes. Study: VKGL Data-share Consensus. Not counted in ClinVar's aggregate classification.

Genome Diagnostics Laboratory, University Medical Center Utrecht
Classification: Likely benign. Review status: no assertion criteria provided. Collection method: clinical testing. Allele origin: germline. Affected: yes. Study: VKGL Data-share Consensus. Not counted in ClinVar's aggregate classification.